The following is an entry in ClinVar:

ClinVar aggregate classification (germline): Uncertain significance (1 of 4 stars; one submission).

Conditions:
Early-infantile DEE. Also called: Early infantile epileptic encephalopathy; Ohtahara syndrome; Early infantile epileptic encephalopathy with suppression bursts. Identifiers: Orphanet 1934, MedGen C0393706, MONDO:0800491.

Submission:

Labcorp Genetics (formerly Invitae), Labcorp
Classification: Uncertain significance for Early-infantile DEE. Last evaluated: 2025-08-31. Review status: criteria provided, single submitter. Criteria: Invitae Variant Classification Sherloc (09022015). Collection method: clinical testing. Allele origin: germline.
Comment: This sequence change replaces tyrosine, which is neutral and polar, with histidine, which is basic and polar, at codon 305 of the SCN8A protein (p.Tyr305His). This variant is not present in population databases (gnomAD no frequency). This variant has not been reported in the literature in individuals affected with SCN8A-related conditions. ClinVar contains an entry for this variant (Variation ID: 3635182). Invitae Evidence Modeling of protein sequence and biophysical properties (such as structural, functional, and spatial information, amino acid conservation, physicochemical variation, residue mobility, and thermodynamic stability) indicates that this missense variant is not expected to disrupt SCN8A protein function with a negative predictive value of 95%. In summary, the available evidence is currently insufficient to determine the role of this variant in disease. Therefore, it has been classified as a Variant of Uncertain Significance.

NM_001330260.2(SCN8A):c.913T>C (p.Tyr305His)

Gene: SCN8A (sodium voltage-gated channel alpha subunit 8; plus strand). Cytogenetic location: 12q13.13.
Variant type: single nucleotide variant.
Coding change: c.913T>C on transcript NM_001330260.2 (MANE Select); coding-DNA position 913, T replaced by C.
Protein change: p.Tyr305His; replaces tyrosine 305 with histidine.
Molecular consequence: missense variant.
Genome position (GRCh38, 1-based): chr12:51,699,776, T>C. VCF-style: chr12-51699776-T-C. GRCh37 (hg19) VCF-style: chr12-52093560-T-C.
Other names: c.913T>C, p.Tyr305His (NM_001177984.3, NM_001369788.1, NM_014191.4); short protein forms Y305H.
Identifiers: ClinVar variation 3635182 (VCV003635182.2).